The following is an entry in ClinVar:

ClinVar aggregate classification (germline): Benign (1 of 4 stars; one submission).

Conditions:
Hyperekplexia 2 (HKPX2). Identifiers: Orphanet 3197, MedGen C3553291, MONDO:0013828, OMIM 614619.

Allele frequency attached by ClinVar (database versions not stated): TOPMed 0.02291; 1000 Genomes Project 0.02017; gnomAD 0.02055 and 0.02225; 1000 Genomes Project 30x 0.02217.

Submission:

Illumina Laboratory Services, Illumina
Classification: Benign for Hyperekplexia 2. Last evaluated: 2018-01-12. Review status: criteria provided, single submitter. Criteria: ICSL Variant Classification Criteria 13 December 2019. Collection method: clinical testing. Allele origin: germline.
Comment: This variant was observed in the ICSL laboratory as part of a predisposition screen in an ostensibly healthy population. It had not been previously curated by ICSL or reported in the Human Gene Mutation Database (HGMD: prior to June 1st, 2018), and was therefore a candidate for classification through an automated scoring system. Utilizing variant allele frequency, disease prevalence and penetrance estimates, and inheritance mode, an automated score was calculated to assess if this variant is too frequent to cause the disease. Based on the score and internal cut-off values, a variant classified as benign is not then subjected to further curation. The score for this variant resulted in a classification of benign for this disease.

NM_000824.5(GLRB):c.*505T>A

Gene: GLRB (glycine receptor beta; plus strand). Cytogenetic location: 4q32.1.
Variant type: single nucleotide variant.
Coding change: c.*505T>A on transcript NM_000824.5 (MANE Select); 505 bases downstream of the stop codon, T replaced by A.
Molecular consequence: 3 prime UTR variant.
Genome position (GRCh38, 1-based): chr4:157,171,233, T>A. VCF-style: chr4-157171233-T-A. GRCh37 (hg19) VCF-style: chr4-158092385-T-A.
Other names: c.*505T>A (NM_001166060.2); c.*794T>A (NM_001166061.2).
Identifiers: ClinVar variation 347938 (VCV000347938.5), dbSNP rs78155645, ClinGen allele CA10618173.